The following is an entry in ClinVar:

NM_004006.3(DMD):c.530G>A (p.Arg177Lys)

Gene: DMD (dystrophin; minus strand). Cytogenetic location: Xp21.1.
Variant type: single nucleotide variant.
Coding change: c.530G>A on transcript NM_004006.3 (MANE Select); coding-DNA position 530, G replaced by A.
Protein change: p.Arg177Lys; replaces arginine 177 with lysine.
Molecular consequence: missense variant.
Genome position (GRCh38, 1-based): chrX:32,816,468, C>T on the plus strand (G>A on the coding strand, the complement: DMD is on the minus strand). VCF-style: chrX-32816468-C-T. GRCh37 (hg19) VCF-style: chrX-32834585-C-T.
Other names: c.506G>A, p.Arg169Lys (NM_000109.4); c.518G>A, p.Arg173Lys (NM_004009.3); c.161G>A, p.Arg54Lys (NM_004010.3); short protein forms R177K, R173K, R169K, R54K.
Identifiers: ClinVar variation 4723510 (VCV004723510.1).

ClinVar aggregate classification (germline): Uncertain significance (1 of 4 stars; one submission).

Conditions:
Duchenne muscular dystrophy (DMD). Also called: MUSCULAR DYSTROPHY, PSEUDOHYPERTROPHIC PROGRESSIVE, DUCHENNE TYPE; Duchenne Muscular Dystrophy (DMD). Identifiers: Orphanet 98896, MedGen C0013264, MONDO:0010679, OMIM 310200.

Submission:

Labcorp Genetics (formerly Invitae), Labcorp
Classification: Uncertain significance for Duchenne muscular dystrophy. Last evaluated: 2025-07-20. Review status: criteria provided, single submitter. Criteria: Invitae Variant Classification Sherloc (09022015). Collection method: clinical testing. Allele origin: germline.
Comment: This sequence change replaces arginine, which is basic and polar, with lysine, which is basic and polar, at codon 177 of the DMD protein (p.Arg177Lys). This variant also falls at the last nucleotide of exon 6, which is part of the consensus splice site for this exon. This variant is not present in population databases (gnomAD no frequency). This variant has not been reported in the literature in individuals affected with DMD-related conditions. An algorithm developed to predict the effect of missense changes on protein structure and function (PolyPhen-2) suggests that this variant is likely to be tolerated. Variants that disrupt the consensus splice site are a relatively common cause of aberrant splicing (PMID: 17576681, 9536098). Algorithms developed to predict the effect of sequence changes on RNA splicing suggest that this variant may disrupt the consensus splice site. In summary, the available evidence is currently insufficient to determine the role of this variant in disease. Therefore, it has been classified as a Variant of Uncertain Significance.

Literature cited by the submitters: PubMed 17576681; PubMed 9536098.